The following is an entry in ClinVar:

NM_000051.4(ATM):c.4381T>A (p.Trp1461Arg)

Gene: ATM (ATM serine/threonine kinase; plus strand). Cytogenetic location: 11q22.3.
Variant type: single nucleotide variant.
Coding change: c.4381T>A on transcript NM_000051.4 (MANE Select); coding-DNA position 4381, T replaced by A.
Protein change: p.Trp1461Arg; replaces tryptophan 1461 with arginine.
Molecular consequence: missense variant.
Genome position (GRCh38, 1-based): chr11:108,289,746, T>A. VCF-style: chr11-108289746-T-A. GRCh37 (hg19) VCF-style: chr11-108160473-T-A.
Other names: c.4381T>A, p.Trp1461Arg (NM_001351834.2); short protein forms W1461R.
Identifiers: ClinVar variation 630828 (VCV000630828.18), dbSNP rs982008501, ClinGen allele CA228375377.
Genomic context (GRCh38, chr11:108,289,746, plus strand): 5'-ATATATCACCTGTTTGTTAGTTTATTACTGAAAGATATAAAAAGTGGCTTAGGAGGAGCT[T>A]GGGCCTTTGTTCTTCGAGACGTTATTTATACTTTGATTCACTATATCAACCAAAGGTAAA-3'
Protein context (NP_000042.3, residues 1451-1471): KDIKSGLGGA[Trp1461Arg]AFVLRDVIYT

ClinVar aggregate classification (germline): Uncertain significance. Review status: criteria provided, multiple submitters, no conflicts (2 of 4 stars). 3 submissions from 3 submitters: Uncertain significance (3). Last evaluated 2025-06-13.

Conditions:
Ataxia-telangiectasia syndrome (AT). Also called: Ataxia-telangiectasia, complementation group D; AT, COMPLEMENTATION GROUP C; Ataxia-telangiectasia; ATAXIA-TELANGIECTASIA, COMPLEMENTATION GROUP A; ATAXIA-TELANGIECTASIA, FRESNO VARIANT; LOUIS-BAR SYNDROME. Identifiers: Orphanet 100, MedGen C0004135, MONDO:0008840, OMIM 208900.
Hereditary cancer-predisposing syndrome. Also called: Hereditary Cancer Syndrome; Neoplastic Syndromes, Hereditary; Tumor predisposition; Hereditary neoplastic syndrome. Identifiers: Orphanet 140162, MedGen C0027672, MeSH D009386, MONDO:0015356.

gnomAD v4.1: 1 of 1,613,772 alleles (0.000062%); highest among the groups gnomAD compares: Non-Finnish European, 0.000085%; no homozygotes.

Submissions (3):

Ambry Genetics
Classification: Uncertain significance for Hereditary cancer-predisposing syndrome. Last evaluated: 2025-06-13. Review status: criteria provided, single submitter. Criteria: Ambry Variant Classification Scheme 2023. Collection method: clinical testing. Allele origin: germline.
Comment: The p.W1461R variant (also known as c.4381T>A), located in coding exon 28 of the ATM gene, results from a T to A substitution at nucleotide position 4381. The tryptophan at codon 1461 is replaced by arginine, an amino acid with dissimilar properties. This amino acid position is conserved. In addition, this alteration is predicted to be deleterious by in silico analysis. Since supporting evidence is limited at this time, the clinical significance of this alteration remains unclear.

Color Diagnostics, LLC DBA Color Health
Classification: Uncertain significance for Hereditary cancer-predisposing syndrome. Last evaluated: 2023-12-05. Review status: criteria provided, single submitter. Criteria: ACMG Guidelines, 2015. Collection method: clinical testing. Allele origin: germline.
Comment: This missense variant replaces tryptophan with arginine at codon 1461 of the ATM protein. Computational prediction is inconclusive regarding the impact of this variant on protein structure and function (internally defined REVEL score threshold 0.5 < inconclusive < 0.7, PMID: 27666373). To our knowledge, functional studies have not been reported for this variant. This variant has not been reported in individuals affected with ATM-related disorders in the literature. This variant has not been identified in the general population by the Genome Aggregation Database (gnomAD). The available evidence is insufficient to determine the role of this variant in disease conclusively. Therefore, this variant is classified as a Variant of Uncertain Significance.

Labcorp Genetics (formerly Invitae), Labcorp
Classification: Uncertain significance for Ataxia-telangiectasia syndrome. Last evaluated: 2023-10-18. Review status: criteria provided, single submitter. Criteria: Invitae Variant Classification Sherloc (09022015). Collection method: clinical testing. Allele origin: germline.
Comment: This sequence change replaces tryptophan, which is neutral and slightly polar, with arginine, which is basic and polar, at codon 1461 of the ATM protein (p.Trp1461Arg). This variant is not present in population databases (gnomAD no frequency). This variant has not been reported in the literature in individuals affected with ATM-related conditions. ClinVar contains an entry for this variant (Variation ID: 630828). An algorithm developed to predict the effect of missense changes on protein structure and function (PolyPhen-2) suggests that this variant is likely to be disruptive. In summary, the available evidence is currently insufficient to determine the role of this variant in disease. Therefore, it has been classified as a Variant of Uncertain Significance.